The following is an entry in ClinVar:

NM_001148.6(ANK2):c.5348G>A (p.Gly1783Asp)

Genes: ANK2 (ankyrin 2; plus strand), LOC126807136 (MED14-independent group 3 enhancer GRCh37_chr4:114274931-114276130; plus strand). Cytogenetic location: 4q26.
Variant type: single nucleotide variant.
Coding change: c.5348G>A on transcript NM_001148.6 (MANE Select); coding-DNA position 5348, G replaced by A.
Protein change: p.Gly1783Asp; replaces glycine 1783 with aspartic acid.
Molecular consequence: missense variant. On other transcripts: intron variant (68).
Genome position (GRCh38, 1-based): chr4:113,353,966, G>A. VCF-style: chr4-113353966-G-A. GRCh37 (hg19) VCF-style: chr4-114275122-G-A.
Other names: c.5114G>A, p.Gly1705Asp (NM_001386142.1); c.1748G>A, p.Gly583Asp (NM_001386166.1); c.5489G>A, p.Gly1830Asp (NM_001386174.1); c.5465G>A, p.Gly1822Asp (NM_001386175.1); c.4411+3717G>A (NM_001386186.2, NM_001386148.2); c.4213+3717G>A (NM_001354269.3); c.4291+3717G>A (NM_001386187.2); c.4252+3717G>A (NM_001386147.1); and 35 more; short protein forms G1705D, G1783D, G1822D, G1830D, G583D.
Identifiers: ClinVar variation 3600768 (VCV003600768.2).

ClinVar aggregate classification (germline): Uncertain significance (1 of 4 stars; one submission).

gnomAD v4.1: 2 of 1,614,014 alleles (0.00012%); highest among the groups gnomAD compares: South Asian, 0.0011%; no homozygotes.

Submission:

GeneDx
Classification: Uncertain significance. Last evaluated: 2025-03-27. Review status: criteria provided, single submitter. Criteria: GeneDx Variant Classification Process June 2021. Collection method: clinical testing. Allele origin: germline. Affected: yes.
Comment: Not observed at significant frequency in large population cohorts (gnomAD); In silico analysis indicates that this missense variant does not alter protein structure/function; Has not been previously published as pathogenic or benign to our knowledge